The following is an entry in ClinVar:

NM_001378457.1(DMXL2):c.1849A>G (p.Ile617Val)

Gene: DMXL2 (Dmx like 2; minus strand). Cytogenetic location: 15q21.2.
Variant type: single nucleotide variant.
Coding change: c.1849A>G on transcript NM_001378457.1 (MANE Select); coding-DNA position 1849, A replaced by G.
Protein change: p.Ile617Val; replaces isoleucine 617 with valine.
Molecular consequence: missense variant. On other transcripts: non-coding transcript variant (2).
Genome position (GRCh38, 1-based): chr15:51,536,631, T>C on the plus strand (A>G on the coding strand, the complement: DMXL2 is on the minus strand). VCF-style: chr15-51536631-T-C. GRCh37 (hg19) VCF-style: chr15-51828828-T-C.
Other names: c.1849A>G, p.Ile617Val (NM_001174116.3, NM_001174117.3, NM_001378458.1 and 6 more transcripts); c.1609A>G, p.Ile537Val (NM_001378464.1); short protein forms I537V, I617V.
Identifiers: ClinVar variation 2047890 (VCV002047890.1), dbSNP rs2048303484, ClinGen allele CA392467492.

ClinVar aggregate classification (germline): Uncertain significance (1 of 4 stars; one submission).

Allele frequency attached by ClinVar (database versions not stated): gnomAD 0.00001; TOPMed 0.00001.
gnomAD v4.1: 1 of 1,613,956 alleles (0.000062%); highest among the groups gnomAD compares: African/African-American, 0.0013%; no homozygotes.

Submission:

Labcorp Genetics (formerly Invitae), Labcorp
Classification: Uncertain significance. Last evaluated: 2022-04-16. Review status: criteria provided, single submitter. Criteria: Invitae Variant Classification Sherloc (09022015). Collection method: clinical testing. Allele origin: germline.
Comment: This sequence change replaces isoleucine, which is neutral and non-polar, with valine, which is neutral and non-polar, at codon 617 of the DMXL2 protein (p.Ile617Val). This variant is not present in population databases (gnomAD no frequency). This variant has not been reported in the literature in individuals affected with DMXL2-related conditions. Algorithms developed to predict the effect of missense changes on protein structure and function output the following: SIFT: "Tolerated"; PolyPhen-2: "Benign"; Align-GVGD: "Class C0". The valine amino acid residue is found in multiple mammalian species, which suggests that this missense change does not adversely affect protein function. In summary, the available evidence is currently insufficient to determine the role of this variant in disease. Therefore, it has been classified as a Variant of Uncertain Significance.